The following is an entry in ClinVar:

NM_000465.4(BARD1):c.1029del (p.Ser344fs)

Gene: BARD1 (BRCA1 associated RING domain 1; minus strand). Cytogenetic location: 2q35.
Variant type: Deletion.
Coding change: c.1029del on transcript NM_000465.4 (MANE Select); coding-DNA position 1029, one base deleted (C; older notation c.1029delC).
Protein change: p.Ser344fs; shifts the reading frame from serine 344.
Molecular consequence: frameshift variant. On other transcripts: non-coding transcript variant (2), intron variant (3).
Genome position (GRCh38, 1-based): chr2:214,780,845, G deleted on the plus strand (C on the coding strand, the reverse complement: BARD1 is on the minus strand); the first of 2 consecutive G bases (chr2:214,780,845-214,780,846); deleting either gives the same sequence. VCF-style (leftmost placement, unchanged base first): chr2-214780844-TG-T. GRCh37 (hg19) VCF-style: chr2-215645568-TG-T.
Other names: c.972del, p.Ser325fs (NM_001282543.2); c.159-28290del (NM_001282548.2); c.215+16216del (NM_001282545.2); c.364+11452del (NM_001282549.2); c.1029delC (NM_000465.2); short protein forms S325fs, S344fs.
Identifiers: ClinVar variation 1801621 (VCV001801621.2), dbSNP rs2469504845, ClinGen allele CA2580065644.

ClinVar aggregate classification (germline): Pathogenic. Review status: criteria provided, single submitter (1 of 4 stars). 2 submissions from 2 submitters: Pathogenic (1). 1 of the submissions does not count toward it. Last evaluated 2026-01-13.

Conditions:
Gastric cancer. Also called: Malignant tumor of stomach; Stomach cancer. Identifiers: MedGen C0024623, MeSH D013274, MONDO:0001056, OMIM 613659, HP:0012126.
Hereditary cancer-predisposing syndrome. Also called: Neoplastic Syndromes, Hereditary; Hereditary neoplastic syndrome; Hereditary Cancer Syndrome; Tumor predisposition. Identifiers: Orphanet 140162, MedGen C0027672, MeSH D009386, MONDO:0015356.

Submissions (2):

Ambry Genetics
Classification: Pathogenic for Hereditary cancer-predisposing syndrome. Last evaluated: 2026-01-13. Review status: criteria provided, single submitter. Criteria: Ambry Variant Classification Scheme 2023. Collection method: clinical testing. Allele origin: germline.
Comment: The c.1029delC pathogenic mutation, located in coding exon 4 of the BARD1 gene, results from a deletion of one nucleotide at nucleotide position 1029, causing a translational frameshift with a predicted alternate stop codon (p.S344Vfs*56). This variant is considered to be rare based on population cohorts in the Genome Aggregation Database (gnomAD). This alteration is expected to result in loss of function by premature protein truncation or nonsense-mediated mRNA decay. As such, this alteration is interpreted as a disease-causing mutation.

Laboratory for Genotyping Development, RIKEN
Classification: Pathogenic for Gastric cancer. Last evaluated: 2021-07-01. Review status: no assertion criteria provided. Collection method: research. Allele origin: germline. Not counted in ClinVar's aggregate classification.

Literature cited by the submitters: PubMed 36988593 (cited by Laboratory for Genotyping Development, RIKEN).